The following is an entry in ClinVar:

NM_014762.4(DHCR24):c.*2081G>A

Gene: DHCR24 (24-dehydrocholesterol reductase; minus strand). Cytogenetic location: 1p32.3.
Variant type: single nucleotide variant.
Coding change: c.*2081G>A on transcript NM_014762.4 (MANE Select); 2081 bases downstream of the stop codon, G replaced by A.
Molecular consequence: 3 prime UTR variant.
Genome position (GRCh38, 1-based): chr1:54,850,152, C>T on the plus strand (G>A on the coding strand, the complement: DHCR24 is on the minus strand). VCF-style: chr1-54850152-C-T. GRCh37 (hg19) VCF-style: chr1-55315825-C-T.
Identifiers: ClinVar variation 876973 (VCV000876973.4), dbSNP rs373752257, ClinGen allele CA22779194.

ClinVar aggregate classification (germline): Likely benign (1 of 4 stars; one submission).

Conditions:
Desmosterolosis. Identifiers: Orphanet 35107, MedGen C1865596, MONDO:0011217, OMIM 602398.

Allele frequency attached by ClinVar (database versions not stated): 1000 Genomes Project 0.00100; TOPMed 0.00119; 1000 Genomes Project 30x 0.00156.

Submission:

Illumina Laboratory Services, Illumina
Classification: Likely benign for Desmosterolosis. Last evaluated: 2018-01-12. Review status: criteria provided, single submitter. Criteria: ICSL Variant Classification Criteria 13 December 2019. Collection method: clinical testing. Allele origin: germline.
Comment: This variant was observed in the ICSL laboratory as part of a predisposition screen in an ostensibly healthy population. It had not been previously curated by ICSL or reported in the Human Gene Mutation Database (HGMD: prior to June 1st, 2018), and was therefore a candidate for classification through an automated scoring system. Utilizing variant allele frequency, disease prevalence and penetrance estimates, and inheritance mode, an automated score was calculated to assess if this variant is too frequent to cause the disease. Based on the score and internal cut-off values, a variant classified as likely benign is not then subjected to further curation. The score for this variant resulted in a classification of likely benign for this disease.